The following is an entry in ClinVar:

NM_000057.4(BLM):c.1763del (p.Lys588fs)

Gene: BLM (BLM RecQ like helicase; plus strand). Cytogenetic location: 15q26.1.
Variant type: Deletion.
Coding change: c.1763del on transcript NM_000057.4 (MANE Select); coding-DNA position 1763, one base deleted (A; older notation c.1763delA).
Protein change: p.Lys588fs; shifts the reading frame from lysine 588.
Molecular consequence: frameshift variant.
Genome position (GRCh38, 1-based): chr15:90,761,136, A deleted; the last of 2 consecutive A bases (chr15:90,761,135-90,761,136); deleting either gives the same sequence. VCF-style (leftmost placement, unchanged base first): chr15-90761134-CA-C. GRCh37 (hg19) VCF-style: chr15-91304364-CA-C.
Other names: c.1763del, p.Lys588fs (NM_001287246.2, NM_001287247.2); c.638del, p.Lys213fs (NM_001287248.2); short protein forms K213fs, K588fs.
Identifiers: ClinVar variation 1779622 (VCV001779622.5), dbSNP rs2505428800, ClinGen allele CA2580090391.

ClinVar aggregate classification (germline): Pathogenic. Review status: criteria provided, multiple submitters, no conflicts (2 of 4 stars). 2 submissions from 2 submitters: Pathogenic (2). Last evaluated 2024-01-15.

Conditions:
Hereditary cancer-predisposing syndrome. Also called: Neoplastic Syndromes, Hereditary; Tumor predisposition; Hereditary Cancer Syndrome; Hereditary neoplastic syndrome. Identifiers: Orphanet 140162, MedGen C0027672, MeSH D009386, MONDO:0015356.
Bloom syndrome (BLM). Also called: Bloom-Torre-Machacek syndrome. Identifiers: Orphanet 125, MedGen C0005859, MONDO:0008876, OMIM 210900.

Submissions (2):

Labcorp Genetics (formerly Invitae), Labcorp
Classification: Pathogenic for Bloom syndrome. Last evaluated: 2024-01-15. Review status: criteria provided, single submitter. Criteria: Invitae Variant Classification Sherloc (09022015). Collection method: clinical testing. Allele origin: germline.
Comment: This sequence change creates a premature translational stop signal (p.Lys588Argfs*30) in the BLM gene. It is expected to result in an absent or disrupted protein product. Loss-of-function variants in BLM are known to be pathogenic (PMID: 17407155). This variant is not present in population databases (gnomAD no frequency). This variant has not been reported in the literature in individuals affected with BLM-related conditions. ClinVar contains an entry for this variant (Variation ID: 1779622). For these reasons, this variant has been classified as Pathogenic.

Ambry Genetics
Classification: Pathogenic for Hereditary cancer-predisposing syndrome. Last evaluated: 2021-04-12. Review status: criteria provided, single submitter. Criteria: Ambry Variant Classification Scheme 2023. Collection method: clinical testing. Allele origin: germline.
Comment: The c.1763delA pathogenic mutation, located in coding exon 6 of the BLM gene, results from a deletion of one nucleotide at nucleotide position 1763, causing a translational frameshift with a predicted alternate stop codon (p.K588Rfs*30). This alteration is expected to result in loss of function by premature protein truncation or nonsense-mediated mRNA decay. As such, this alteration is interpreted as a disease-causing mutation.

Literature cited by the submitters: PubMed 17407155 (cited by Labcorp Genetics (formerly Invitae), Labcorp).